The following is an entry in ClinVar:

ClinVar aggregate classification (germline): Uncertain significance (1 of 4 stars; one submission).

Allele frequency attached by ClinVar (database versions not stated): ExAC 0.00001.
gnomAD v4.1: 2 of 1,600,338 alleles (0.00012%); highest among the groups gnomAD compares: Non-Finnish European, 0.00017%; no homozygotes.

Submission:

Labcorp Genetics (formerly Invitae), Labcorp
Classification: Uncertain significance. Last evaluated: 2022-10-24. Review status: criteria provided, single submitter. Criteria: Invitae Variant Classification Sherloc (09022015). Collection method: clinical testing. Allele origin: germline.
Comment: This sequence change replaces valine, which is neutral and non-polar, with methionine, which is neutral and non-polar, at codon 642 of the SLC7A14 protein (p.Val642Met). The frequency data for this variant in the population databases is considered unreliable, as metrics indicate poor data quality at this position in the gnomAD database. This variant has not been reported in the literature in individuals affected with SLC7A14-related conditions. ClinVar contains an entry for this variant (Variation ID: 1493096). Algorithms developed to predict the effect of missense changes on protein structure and function are either unavailable or do not agree on the potential impact of this missense change (SIFT: "Deleterious"; PolyPhen-2: "Probably Damaging"; Align-GVGD: "Class C0"). In summary, the available evidence is currently insufficient to determine the role of this variant in disease. Therefore, it has been classified as a Variant of Uncertain Significance.

NM_020949.3(SLC7A14):c.1924G>A (p.Val642Met)

Genes: SLC7A14 (solute carrier family 7 member 14; minus strand), SLC7A14-AS1 (SLC7A14 antisense RNA 1; plus strand). Cytogenetic location: 3q26.2.
Variant type: single nucleotide variant.
Coding change: c.1924G>A on transcript NM_020949.3 (MANE Select); coding-DNA position 1924, G replaced by A.
Protein change: p.Val642Met; replaces valine 642 with methionine.
Molecular consequence: missense variant.
Genome position (GRCh38, 1-based): chr3:170,480,358, C>T on the plus strand (G>A on the coding strand, the complement: SLC7A14 is on the minus strand). VCF-style: chr3-170480358-C-T. GRCh37 (hg19) VCF-style: chr3-170198147-C-T.
Other names: short protein forms V642M.
Identifiers: ClinVar variation 1493096 (VCV001493096.5), dbSNP rs767567265, ClinGen allele CA2701546.